The following is an entry in ClinVar:

ClinVar aggregate classification (germline): Pathogenic. Review status: criteria provided, multiple submitters, no conflicts (2 of 4 stars). 2 submissions from 2 submitters: Pathogenic (2). Last evaluated 2026-05-26.

Conditions:
Hereditary cancer-predisposing syndrome. Also called: Hereditary neoplastic syndrome; Neoplastic Syndromes, Hereditary; Tumor predisposition; Hereditary Cancer Syndrome. Identifiers: Orphanet 140162, MedGen C0027672, MeSH D009386, MONDO:0015356.
Oligodontia-cancer predisposition syndrome. Also called: TOOTH AGENESIS-COLORECTAL CANCER SYNDROME. Identifiers: Orphanet 300576, MedGen C1837750, MONDO:0012075, OMIM 608615. Disease mechanism: loss of function.
AXIN2-related attenuated familial adenomatous polyposis. Identifiers: Orphanet 401911, MedGen C5680012, MONDO:0018426.

Submissions (2):

Ambry Genetics
Classification: Pathogenic for Hereditary cancer-predisposing syndrome. Last evaluated: 2026-05-26. Review status: criteria provided, single submitter. Criteria: Ambry Variant Classification Scheme 2023. Collection method: clinical testing. Allele origin: germline.
Comment: The p.Q696* pathogenic mutation (also known as c.2086C>T), located in coding exon 7 of the AXIN2 gene, results from a C to T substitution at nucleotide position 2086. This changes the amino acid from a glutamine to a stop codon within coding exon 7. This variant was reported in individual(s) with features consistent with oligodontia-cancer predisposition syndrome (Leclerc J et al. Genes Chromosomes Cancer, 2023 Apr;62:210-222; Ambry internal data). This variant is considered to be rare based on population cohorts in the Genome Aggregation Database (gnomAD). This alteration is expected to result in loss of function by premature protein truncation or nonsense-mediated mRNA decay. As such, this alteration is interpreted as a disease-causing mutation.

Centre de Biologie Pathologie Génétique, Centre Hospitalier Universitaire de Lille
Classification: Pathogenic for AXIN2-related attenuated familial adenomatous polyposis. Last evaluated: 2021-02-01. Review status: criteria provided, single submitter. Criteria: ACMG Guidelines, 2015. Collection method: clinical testing. Allele origin: germline. Affected: yes.

Literature cited by the submitters: PubMed 36502525 (cited by Ambry Genetics).

NM_004655.4(AXIN2):c.2086C>T (p.Gln696Ter)

Gene: AXIN2 (axin 2; minus strand). Cytogenetic location: 17q24.1.
Variant type: single nucleotide variant.
Coding change: c.2086C>T on transcript NM_004655.4 (MANE Select); coding-DNA position 2086, C replaced by T.
Protein change: p.Gln696Ter; replaces glutamine 696 with a stop codon.
Molecular consequence: nonsense.
Genome position (GRCh38, 1-based): chr17:65,536,375, G>A on the plus strand (C>T on the coding strand, the complement: AXIN2 is on the minus strand). VCF-style: chr17-65536375-G-A. GRCh37 (hg19) VCF-style: chr17-63532493-G-A.
Other names: c.2086C>T (NM_004655.3); c.1891C>T, p.Gln631Ter (NM_001363813.1); short protein forms Q631*, Q696*.
Identifiers: ClinVar variation 1027575 (VCV001027575.2), dbSNP rs2043915274, ClinGen allele CA400676019.